The following is an entry in ClinVar:

ClinVar aggregate classification (germline): Uncertain significance. Review status: criteria provided, single submitter (1 of 4 stars). 2 submissions from 2 submitters: Uncertain significance (1). 1 of the submissions does not count toward it. Last evaluated 2023-10-24.

Conditions:
FGFR2-related craniosynostosis. Identifiers: MedGen CN231480.

Allele frequency attached by ClinVar (database versions not stated): TOPMed below 0.00001; ESP Exome Variant Server 0.00008.
gnomAD v4.1: 6 of 1,614,072 alleles (0.00037%); highest among the groups gnomAD compares: South Asian, 0.0033%; no homozygotes.

Submissions (2):

Labcorp Genetics (formerly Invitae), Labcorp
Classification: Uncertain significance for FGFR2-related craniosynostosis. Last evaluated: 2023-10-24. Review status: criteria provided, single submitter. Criteria: Invitae Variant Classification Sherloc (09022015). Collection method: clinical testing. Allele origin: germline.
Comment: This sequence change replaces glutamic acid, which is acidic and polar, with lysine, which is basic and polar, at codon 777 of the FGFR2 protein (p.Glu777Lys). This variant is present in population databases (rs374993905, gnomAD 0.006%). This variant has not been reported in the literature in individuals affected with FGFR2-related conditions. ClinVar contains an entry for this variant (Variation ID: 134391). Advanced modeling of protein sequence and biophysical properties (such as structural, functional, and spatial information, amino acid conservation, physicochemical variation, residue mobility, and thermodynamic stability) performed at Invitae indicates that this missense variant is expected to disrupt FGFR2 protein function with a positive predictive value of 95%. In summary, the available evidence is currently insufficient to determine the role of this variant in disease. Therefore, it has been classified as a Variant of Uncertain Significance.

ITMI
No classification provided. Condition: AllHighlyPenetrant. Last evaluated: 2013-09-19. Review status: no classification provided. Collection method: reference population. Allele origin: germline. Not counted in ClinVar's aggregate classification.
Comment: Please see associated publication for description of ethnicities

Literature cited by the submitters: PubMed 24728327 (cited by ITMI).

NM_000141.5(FGFR2):c.2329G>A (p.Glu777Lys)

Gene: FGFR2 (fibroblast growth factor receptor 2; minus strand). Cytogenetic location: 10q26.13.
Variant type: single nucleotide variant.
Coding change: c.2329G>A on transcript NM_000141.5 (MANE Select); coding-DNA position 2329, G replaced by A.
Protein change: p.Glu777Lys; replaces glutamic acid 777 with lysine.
Molecular consequence: missense variant. On other transcripts: non-coding transcript variant (1), intron variant (1).
Genome position (GRCh38, 1-based): chr10:121,479,994, C>T on the plus strand (G>A on the coding strand, the complement: FGFR2 is on the minus strand). VCF-style: chr10-121479994-C-T. GRCh37 (hg19) VCF-style: chr10-123239508-C-T.
Other names: c.1993G>A, p.Glu665Lys (NM_001144914.1); c.1984G>A, p.Glu662Lys (NM_001144916.2); c.1981G>A, p.Glu661Lys (NM_001144917.2); c.1978G>A, p.Glu660Lys (NM_001144918.2); c.1645G>A, p.Glu549Lys (NM_001320654.2); c.2323G>A, p.Glu775Lys (NM_001320658.2); c.2332G>A, p.Glu778Lys (NM_022970.4); c.2062G>A, p.Glu688Lys (NM_023029.3); and 1 more; short protein forms E777K, E778K, E661K, E688K, E660K, E662K, E665K, E549K.
Identifiers: ClinVar variation 134391 (VCV000134391.4), dbSNP rs374993905, ClinGen allele CA159673.